The following is an entry in ClinVar:

NM_007294.3(BRCA1):c.(?_-1)_80+?del

Gene: BRCA1 (BRCA1 DNA repair associated; minus strand). Cytogenetic location: 17q21.31.
Variant type: Deletion.
Other names: c.(?_-1)_80+?del (LRG_292t1).
Identifiers: ClinVar variation 218291 (VCV000218291.1).

ClinVar aggregate classification (germline): Pathogenic (1 of 4 stars; one submission).

Conditions:
Hereditary breast ovarian cancer syndrome. Also called: Hereditary breast and/or ovarian cancer syndrome; Breast and ovarian cancer; BRCA1- and BRCA2-Associated Hereditary Breast and Ovarian Cancer; Hereditary breast and ovarian cancer syndrome; Hereditary breast and ovarian cancer syndrome (HBOC); Hereditary breast and ovarian cancer. Identifiers: Orphanet 145, MedGen C0677776, MeSH D061325, MONDO:0003582. Disease mechanism: loss of function.

Submission:

Labcorp Genetics (formerly Invitae), Labcorp
Classification: Pathogenic for Hereditary breast ovarian cancer syndrome. Last evaluated: 2015-05-27. Review status: criteria provided, single submitter. Criteria: Invitae Variant Classification Sherloc (09022015). Collection method: clinical testing. Allele origin: germline.
Comment: This sequence change is a gross deletion of the genomic region encompassing exons 1-2 of the BRCA1 gene. It also causes the loss of the initiator methionine codon of the BRCA1 mRNA, and is expected to result in an absent or disrupted protein product. Subgenic deletions in BRCA1 are known to be pathogenic. Deletions of exons 1-2 in particular have been reported in several patients affected with breast cancer (PMID: 24825132, 23640417, 23479189, 21120943, 207276720). For these reasons, this sequence change has been classified as Pathogenic.